The following is an entry in ClinVar:

ClinVar aggregate classification (germline): Uncertain significance (1 of 4 stars; one submission).

Submission:

Labcorp Genetics (formerly Invitae), Labcorp
Classification: Uncertain significance. Last evaluated: 2021-03-24. Review status: criteria provided, single submitter. Criteria: Invitae Variant Classification Sherloc (09022015). Collection method: clinical testing. Allele origin: germline.
Comment: In summary, the available evidence is currently insufficient to determine the role of this variant in disease. Therefore, it has been classified as a Variant of Uncertain Significance. This sequence change replaces phenylalanine with serine at codon 945 of the ATP1A1 protein (p.Phe945Ser). The phenylalanine residue is moderately conserved and there is a large physicochemical difference between phenylalanine and serine. This variant is not present in population databases (ExAC no frequency). This variant has not been reported in the literature in individuals with ATP1A1-related conditions. Advanced modeling of protein sequence and biophysical properties (such as structural, functional, and spatial information, amino acid conservation, physicochemical variation, residue mobility, and thermodynamic stability) performed at Invitae indicates that this missense variant is not expected to disrupt ATP1A1 protein function.

NM_000701.8(ATP1A1):c.2834T>C (p.Phe945Ser)

Genes: ATP1A1 (ATPase Na+/K+ transporting subunit alpha 1; plus strand), ATP1A1-AS1 (ATP1A1 antisense RNA 1; minus strand). Cytogenetic location: 1p13.1.
Variant type: single nucleotide variant.
Coding change: c.2834T>C on transcript NM_000701.8 (MANE Select); coding-DNA position 2834, T replaced by C.
Protein change: p.Phe945Ser; replaces phenylalanine 945 with serine.
Molecular consequence: missense variant.
Genome position (GRCh38, 1-based): chr1:116,401,245, T>C. VCF-style: chr1-116401245-T-C. GRCh37 (hg19) VCF-style: chr1-116943867-T-C.
Other names: c.2834T>C, p.Phe945Ser (NM_001160233.2); c.2741T>C, p.Phe914Ser (NM_001160234.2); short protein forms F945S, F914S.
Identifiers: ClinVar variation 1475282 (VCV001475282.8), dbSNP rs2101066571, ClinGen allele CA341775767.
Genomic context (GRCh38, chr1:116,401,245, plus strand): 5'-GTATCGTGGTGGTGCAGTGGGCCGACTTGGTCATCTGTAAGACCAGGAGGAATTCGGTCT[T>C]CCAGCAGGGGATGAAGTAAGTAATGAAGGACATGTCAAGGCCTTGGCTCAAAGAAGGGGA-3'
Protein context (NP_000692.2, residues 935-955): VICKTRRNSV[Phe945Ser]QQGMKNKILI